The following is an entry in ClinVar:

NM_000038.6(APC):c.135+3682G>A

Gene: APC (APC regulator of WNT signaling pathway; plus strand). Cytogenetic location: 5q22.2.
Variant type: single nucleotide variant.
Coding change: c.135+3682G>A on transcript NM_000038.6 (MANE Select); 3682 bases into the intron after coding-DNA position 135, G replaced by A.
Molecular consequence: intron variant.
Genome position (GRCh38, 1-based): chr5:112,758,707, G>A. VCF-style: chr5-112758707-G-A. GRCh37 (hg19) VCF-style: chr5-112094404-G-A.
Other names: c.135+3682G>A (NM_001354895.2, NM_001127510.3, NM_001354896.2 and 2 more transcripts); c.166-7619G>A (NM_001354897.2, NM_001354902.2, NM_001127511.3); c.61-7619G>A (NM_001354898.2, NM_001354904.2); c.-901+3682G>A (NM_001354906.2); c.-42-7619G>A (NM_001354900.2, NM_001354901.2, NM_001354905.2).
Identifiers: ClinVar variation 82829 (VCV000082829.2), dbSNP rs10073398, ClinGen allele CA004351.

ClinVar aggregate classification (germline): other (0 of 4 stars; one submission).

Conditions:
Familial colorectal cancer. Identifiers: MedGen CN280943, MONDO:0023113. Disease mechanism: loss of function.

Allele frequency attached by ClinVar (database versions not stated): gnomAD 0.52400 and 0.53252; TOPMed 0.54610; 1000 Genomes Project 30x 0.59838; 1000 Genomes Project 0.60323.
gnomAD v4.1: 80,770 of 151,572 alleles (53%); highest among the groups gnomAD compares: East Asian, 79%; 22,073 homozygotes.

Submission:

Systems Biology Platform Zhejiang California International NanoSystems Institute
Classification: other for Familial colorectal cancer. Review status: no assertion criteria provided. Collection method: not provided. Allele origin: unknown.
ClinVar note: Converted during submission from cancer to other.